The following is an entry in ClinVar:

NM_000169.3(GLA):c.460A>G (p.Ile154Val)

Genes: GLA (galactosidase alpha; minus strand), RPL36A-HNRNPH2 (RPL36A-HNRNPH2 readthrough; plus strand). Cytogenetic location: Xq22.1.
Variant type: single nucleotide variant.
Coding change: c.460A>G on transcript NM_000169.3 (MANE Select); coding-DNA position 460, A replaced by G.
Protein change: p.Ile154Val; replaces isoleucine 154 with valine.
Molecular consequence: missense variant. On other transcripts: non-coding transcript variant (3), intron variant (2).
Genome position (GRCh38, 1-based): chrX:101,401,719, T>C on the plus strand (A>G on the coding strand, the complement: GLA is on the minus strand). VCF-style: chrX-101401719-T-C. GRCh37 (hg19) VCF-style: chrX-100656707-T-C.
Other names: c.583A>G, p.Ile195Val (NM_001406747.1, NM_001406749.1); c.460A>G, p.Ile154Val (NM_001406748.1); c.300+6262T>C (NM_001199973.2); c.177+9897T>C (NM_001199974.2); short protein forms I154V, I195V.
Identifiers: ClinVar variation 2499541 (VCV002499541.3), dbSNP rs2520896270, ClinGen allele CA413929545.

ClinVar aggregate classification (germline): Uncertain significance. Review status: criteria provided, single submitter (1 of 4 stars). 2 submissions from 2 submitters: Uncertain significance (1). 1 of the submissions does not count toward it. Last evaluated 2026-09-08.

Conditions:
Fabry disease. Also called: Ceramide trihexosidosis; Fabry's disease; ALPHA-GALACTOSIDASE A DEFICIENCY; ANDERSON-FABRY DISEASE; CERAMIDE TRIHEXOSIDASE DEFICIENCY; GLA DEFICIENCY. Identifiers: Orphanet 324, MedGen C0002986, MONDO:0010526, OMIM 301500, HP:0001071. Disease mechanism: Fabry disease is due to inactivating mutations in the X-linked GLA gene resulting in deficiency of the enzyme Alpha Galactosidase-A., loss of function.

Allele frequency attached by ClinVar (database versions not stated): gnomAD exomes below 0.00001.
gnomAD v4.1: 1 of 1,208,150 alleles (0.000083%); highest among the groups gnomAD compares: Non-Finnish European, 0.00011%; no homozygotes.

Submissions (2):

Genomenon, Inc
Classification: Uncertain significance for Fabry disease. Last evaluated: 2026-09-08. Review status: criteria provided, single submitter. Criteria: Genomenon Sequence Variant Interpretation Standards - Updated. Collection method: curation. Allele origin: germline. Affected: no.
Comment: GLA p.Ile154Val (c.460A>G) is a missense variant that changes the amino acid at codon 154 from Isoleucine to Valine. This variant has been reported in the published literature (PMID:39362930;37323669). It is absent or not present at a significant frequency in gnomAD. In conclusion, we classify GLA p.Ile154Val (c.460A>G) as a variant of uncertain significance.

Institute of Medical Genetics, Medical University of Vienna
Classification: Benign for Fabry disease. Last evaluated: 2023-04-05. Review status: no assertion criteria provided. Collection method: clinical testing. Allele origin: germline. Affected: no. Not counted in ClinVar's aggregate classification.

Literature cited by the submitters: PubMed 39362930 (cited by Genomenon, Inc); PubMed 37323669 (cited by Genomenon, Inc).